The following is an entry in ClinVar:

ClinVar aggregate classification (germline): Uncertain significance (1 of 4 stars; one submission).

Conditions:
Severe early-onset pulmonary alveolar proteinosis due to MARS deficiency. Also called: PULMONARY ALVEOLAR PROTEINOSIS, REUNION ISLAND; Interstitial lung and liver disease. Identifiers: Orphanet 440427, MedGen C4225400, MONDO:0014206, OMIM 615486.
Charcot-Marie-Tooth disease axonal type 2U. Also called: CHARCOT-MARIE-TOOTH NEUROPATHY, TYPE 2U; CHARCOT-MARIE-TOOTH DISEASE, AXONAL, AUTOSOMAL DOMINANT, TYPE 2U. Identifiers: Orphanet 397735, MedGen C4084821, MONDO:0014566, OMIM 616280.

Submission:

Labcorp Genetics (formerly Invitae), Labcorp
Classification: Uncertain significance for Charcot-Marie-Tooth disease axonal type 2U; Severe early-onset pulmonary alveolar proteinosis due to MARS deficiency. Last evaluated: 2024-11-09. Review status: criteria provided, single submitter. Criteria: Invitae Variant Classification Sherloc (09022015). Collection method: clinical testing. Allele origin: germline.
Comment: This sequence change replaces histidine, which is basic and polar, with tyrosine, which is neutral and polar, at codon 580 of the MARS protein (p.His580Tyr). This variant is not present in population databases (gnomAD no frequency). This variant has not been reported in the literature in individuals affected with MARS-related conditions. An algorithm developed to predict the effect of missense changes on protein structure and function outputs the following: PolyPhen-2: "Benign". The tyrosine amino acid residue is found in multiple mammalian species, which suggests that this missense change does not adversely affect protein function. In summary, the available evidence is currently insufficient to determine the role of this variant in disease. Therefore, it has been classified as a Variant of Uncertain Significance.

NM_004990.4(MARS1):c.1738C>T (p.His580Tyr)

Gene: MARS1 (methionyl-tRNA synthetase 1; plus strand). Cytogenetic location: 12q13.3.
Variant type: single nucleotide variant.
Coding change: c.1738C>T on transcript NM_004990.4 (MANE Select); coding-DNA position 1738, C replaced by T.
Protein change: p.His580Tyr; replaces histidine 580 with tyrosine.
Molecular consequence: missense variant.
Genome position (GRCh38, 1-based): chr12:57,512,338, C>T. VCF-style: chr12-57512338-C-T. GRCh37 (hg19) VCF-style: chr12-57906121-C-T.
Other names: short protein forms H580Y.
Identifiers: ClinVar variation 3749998 (VCV003749998.2).